The following is an entry in ClinVar:

ClinVar aggregate classification (germline): Uncertain significance. Review status: criteria provided, multiple submitters, no conflicts (2 of 4 stars). 2 submissions from 2 submitters: Uncertain significance (2). Last evaluated 2025-03-26.

Conditions:
Inborn genetic diseases. Identifiers: MedGen C0950123, MeSH D030342.

Allele frequency attached by ClinVar (database versions not stated): gnomAD exomes 0.00002; ExAC 0.00003; gnomAD 0.00006; TOPMed 0.00006.
gnomAD v4.1: 31 of 1,613,600 alleles (0.0019%); highest among the groups gnomAD compares: African/African-American, 0.017%; no homozygotes.

Submissions (2):

Ambry Genetics
Classification: Uncertain significance for Inborn genetic diseases. Last evaluated: 2025-03-26. Review status: criteria provided, single submitter. Criteria: Ambry Variant Classification Scheme 2023. Collection method: clinical testing. Allele origin: germline.

Labcorp Genetics (formerly Invitae), Labcorp
Classification: Uncertain significance. Last evaluated: 2023-11-27. Review status: criteria provided, single submitter. Criteria: Invitae Variant Classification Sherloc (09022015). Collection method: clinical testing. Allele origin: germline.
Comment: This sequence change replaces glycine, which is neutral and non-polar, with arginine, which is basic and polar, at codon 490 of the PTH1R protein (p.Gly490Arg). This variant is present in population databases (rs773660422, gnomAD 0.03%). This variant has not been reported in the literature in individuals affected with PTH1R-related conditions. Advanced modeling of protein sequence and biophysical properties (such as structural, functional, and spatial information, amino acid conservation, physicochemical variation, residue mobility, and thermodynamic stability) performed at Invitae indicates that this missense variant is not expected to disrupt PTH1R protein function with a negative predictive value of 80%. In summary, the available evidence is currently insufficient to determine the role of this variant in disease. Therefore, it has been classified as a Variant of Uncertain Significance.

NM_000316.3(PTH1R):c.1468G>A (p.Gly490Arg)

Gene: PTH1R (parathyroid hormone 1 receptor; plus strand). Cytogenetic location: 3p21.31.
Variant type: single nucleotide variant.
Coding change: c.1468G>A on transcript NM_000316.3 (MANE Select); coding-DNA position 1468, G replaced by A.
Protein change: p.Gly490Arg; replaces glycine 490 with arginine.
Molecular consequence: missense variant.
Genome position (GRCh38, 1-based): chr3:46,903,342, G>A. VCF-style: chr3-46903342-G-A. GRCh37 (hg19) VCF-style: chr3-46944832-G-A.
Other names: c.1468G>A, p.Gly490Arg (NM_001184744.1); c.1468G>A (NM_000316.2); short protein forms G490R.
Identifiers: ClinVar variation 2868737 (VCV002868737.4), dbSNP rs773660422, ClinGen allele CA2359570.